The following is an entry in ClinVar:

NM_006186.4(NR4A2):c.293A>C (p.His98Pro)

Gene: NR4A2 (nuclear receptor subfamily 4 group A member 2; minus strand). Cytogenetic location: 2q24.1.
Variant type: single nucleotide variant.
Coding change: c.293A>C on transcript NM_006186.4 (MANE Select); coding-DNA position 293, A replaced by C.
Protein change: p.His98Pro; replaces histidine 98 with proline.
Molecular consequence: missense variant.
Genome position (GRCh38, 1-based): chr2:156,329,894, T>G on the plus strand (A>C on the coding strand, the complement: NR4A2 is on the minus strand). VCF-style: chr2-156329894-T-G. GRCh37 (hg19) VCF-style: chr2-157186406-T-G.
Other names: c.104A>C, p.His35Pro (NM_173173.3); short protein forms H35P, H98P.
Identifiers: ClinVar variation 4689920 (VCV004689920.2).

ClinVar aggregate classification (germline): Uncertain significance (1 of 4 stars; one submission).

Submission:

GeneDx
Classification: Uncertain significance. Last evaluated: 2026-09-10. Review status: criteria provided, single submitter. Criteria: GeneDx Variant Classification Process June 2021. Collection method: clinical testing. Allele origin: germline.
Comment: Not observed at significant frequency in large population cohorts (gnomAD); In silico analysis supports that this missense variant has a deleterious effect on protein structure/function; Has not been previously published as pathogenic or benign to our knowledge